The following is an entry in ClinVar:

ClinVar aggregate classification (germline): Uncertain significance. Review status: criteria provided, multiple submitters, no conflicts (2 of 4 stars). 3 submissions from 3 submitters: Uncertain significance (3). Last evaluated 2025-08-23.

Conditions:
Schwartz-Jampel syndrome type 1 (SJS1). Also called: MYOTONIC MYOPATHY, DWARFISM, CHONDRODYSTROPHY, AND OCULAR AND FACIAL ABNORMALITIES; CHONDRODYSTROPHIC MYOTONIA. Identifiers: MedGen C4551479, MONDO:0100435, OMIM 255800.
Lethal Kniest-like syndrome (DDSH). Also called: Dyssegmental Dysplasia. Identifiers: Orphanet 1865, MedGen C1857100, MONDO:0009140, OMIM 224410.
Inborn genetic diseases. Identifiers: MedGen C0950123, MeSH D030342.

Allele frequency attached by ClinVar (database versions not stated): gnomAD 0.00001 and 0.00002; TOPMed 0.00003; gnomAD exomes 0.00005; ExAC 0.00006.

Submissions (3):

Ambry Genetics
Classification: Uncertain significance for Inborn genetic diseases. Last evaluated: 2025-08-23. Review status: criteria provided, single submitter. Criteria: Ambry Variant Classification Scheme 2023. Collection method: clinical testing. Allele origin: germline.

Labcorp Genetics (formerly Invitae), Labcorp
Classification: Uncertain significance. Last evaluated: 2021-09-08. Review status: criteria provided, single submitter. Criteria: Invitae Variant Classification Sherloc (09022015). Collection method: clinical testing. Allele origin: germline.
Comment: This sequence change replaces arginine with cysteine at codon 2504 of the HSPG2 protein (p.Arg2504Cys). The arginine residue is weakly conserved and there is a large physicochemical difference between arginine and cysteine. This variant is present in population databases (rs761830794, ExAC 0.01%). This variant has not been reported in the literature in individuals affected with HSPG2-related conditions. Algorithms developed to predict the effect of missense changes on protein structure and function are either unavailable or do not agree on the potential impact of this missense change (SIFT: "Tolerated"; PolyPhen-2: "Probably Damaging"; Align-GVGD: "Class C0"). In summary, the available evidence is currently insufficient to determine the role of this variant in disease. Therefore, it has been classified as a Variant of Uncertain Significance.

Department of Pathology and Laboratory Medicine, Sinai Health System
Classification: Uncertain significance for Lethal Kniest-like syndrome; Schwartz-Jampel syndrome type 1. Last evaluated: 2021-08-12. Review status: criteria provided, single submitter. Criteria: ACMG Guidelines, 2015. Collection method: research. Allele origin: germline.

NM_005529.7(HSPG2):c.7510C>T (p.Arg2504Cys)

Gene: HSPG2 (heparan sulfate proteoglycan 2; minus strand). Cytogenetic location: 1p36.12.
Variant type: single nucleotide variant.
Coding change: c.7510C>T on transcript NM_005529.7 (MANE Select); coding-DNA position 7510, C replaced by T.
Protein change: p.Arg2504Cys; replaces arginine 2504 with cysteine.
Molecular consequence: missense variant.
Genome position (GRCh38, 1-based): chr1:21,848,968, G>A on the plus strand (C>T on the coding strand, the complement: HSPG2 is on the minus strand). VCF-style: chr1-21848968-G-A. GRCh37 (hg19) VCF-style: chr1-22175461-G-A.
Other names: c.7513C>T, p.Arg2505Cys (NM_001291860.2); c.7510C>T (NM_005529.5); short protein forms R2504C, R2505C.
Identifiers: ClinVar variation 1054675 (VCV001054675.9), dbSNP rs761830794, ClinGen allele CA671151.